The following is an entry in ClinVar:

NM_001754.5(RUNX1):c.352-141_352-137del

Genes: RUNX1 (RUNX family transcription factor 1; minus strand), RUNX1-AS1 (RUNX1 antisense RNA 1; plus strand). Cytogenetic location: 21q22.12.
Variant type: Deletion.
Coding change: c.352-141_352-137del on transcript NM_001754.5 (MANE Select); 141 bases into the intron before coding-DNA position 352 through 137 bases into the intron before coding-DNA position 352, 5 bases deleted (AGTTA; older notation c.352-141_352-137delAGTTA).
Molecular consequence: intron variant.
Genome position (GRCh38, 1-based): chr21:34,880,850-34,880,854, TAACT deleted on the plus strand (AGTTA on the coding strand, the reverse complement: RUNX1 is on the minus strand); deleting any 5 consecutive bases within chr21:34,880,850-34,880,857 gives the same sequence; the c. name uses the placement nearest the transcript's 3' end. VCF-style (leftmost placement, unchanged base first): chr21-34880849-ATAACT-A. GRCh37 (hg19) VCF-style: chr21-36253146-ATAACT-A.
Other names: c.271-141_271-137del (NM_001001890.3, NM_001122607.2).
Identifiers: ClinVar variation 1270876 (VCV001270876.2), dbSNP rs56243517, ClinGen allele CA320638113.
Genomic context (GRCh38, chr21:34,880,849, plus strand): 5'-TATTCTAAAATTAAATGTATATTCAATGATTTCTTTTTAGGTTGCAGAGGAATAGCAATG[ATAACT>A]TAAGCAAAACAACAGAAAAGTTATAAAGAGAAGACACTTTTTTATTATATTTTAGGTTGG-3'

ClinVar aggregate classification (germline): Likely benign. Review status: reviewed by expert panel (3 of 4 stars). 2 submissions from 2 submitters: Likely benign (1). 1 of the submissions does not count toward it. Last evaluated 2024-06-24.

Conditions:
Hereditary thrombocytopenia and hematologic cancer predisposition syndrome. Identifiers: Orphanet 71290, MedGen CN281654, MONDO:0011071.

Submissions (2):

ClinGen Myeloid Malignancy Variant Curation Expert Panel
Classification: Likely benign for Hereditary thrombocytopenia and hematologic cancer predisposition syndrome. Last evaluated: 2024-06-24. Review status: reviewed by expert panel. Criteria: ClinGen MyeloMalig ACMG Specifications v2. Collection method: curation. Allele origin: germline. Inheritance: Autosomal dominant inheritance.
Comment: NM_001754.5(RUNX1):c.352-141_352-137del variant is an intronic variant which is absent from all population databases, including gnomAD v2.1.1 and v3.1.2, with at least 20x coverage for RUNX1 (PM2_supporting). In addition, splicing algorithms predicted no effect on splicing (SpliceAI score < 0.20) (BP4), and evolutionary conservation prediction algorithms predict the site as not being conserved (PhyloP100way (GRCh38/hg38) scores 0.0926535 to -0.560732 < 2.0 for all deleted nucleotides) (BP7). To our knowledge, this variant has not been found in patients with FPD/AML phenotype, and no functional studies are available. In summary, this variant meets the criteria to be classified as likely benign. ACMG/AMP criteria applied, as specified by the Myeloid Malignancy Variant Curation Expert Panel for RUNX1: BP4, BP7, PM2_supporting.

GeneDx
Classification: Benign. Last evaluated: 2018-06-23. Review status: criteria provided, single submitter. Criteria: GeneDx Variant Classification Process June 2021. Collection method: clinical testing. Allele origin: germline. Affected: yes. Not counted in ClinVar's aggregate classification.